The following is an entry in ClinVar:

NC_000001.10:g.(?_186114515)_(186159010_?)dup

Gene: HMCN1 (hemicentin 1; plus strand). Cytogenetic location: 1q31.1.
Variant type: Duplication.
Identifiers: ClinVar variation 3248020 (VCV003248020.1).

ClinVar aggregate classification (germline): Uncertain significance (1 of 4 stars; one submission).

Submission:

Labcorp Genetics (formerly Invitae), Labcorp
Classification: Uncertain significance. Last evaluated: 2023-08-10. Review status: criteria provided, single submitter. Criteria: Invitae Variant Classification Sherloc (09022015). Collection method: clinical testing. Allele origin: unknown.
Comment: This variant results in a copy number gain of the genomic region encompassing exon(s) 92-107 of the HMCN1 gene. This region includes the termination codon of the gene. This copy number gain extends beyond the assayed region for this gene and therefore may encompass additional genes. As the precise location of this event is unknown, it may be in tandem or it may be located elsewhere in the genome. This variant has not been reported in the literature in individuals affected with HMCN1-related conditions. Experimental studies and prediction algorithms are not available or were not evaluated, and the functional significance of this variant is currently unknown. In summary, the available evidence is currently insufficient to determine the role of this variant in disease. Therefore, it has been classified as a Variant of Uncertain Significance.